The following is an entry in ClinVar:

NM_152558.5(IQCE):c.395-10G>C

Gene: IQCE (IQ motif containing E; plus strand). Cytogenetic location: 7p22.3.
Variant type: single nucleotide variant.
Coding change: c.395-10G>C on transcript NM_152558.5 (MANE Select); 10 bases into the intron before coding-DNA position 395, G replaced by C.
Molecular consequence: intron variant.
Genome position (GRCh38, 1-based): chr7:2,573,408, G>C. VCF-style: chr7-2573408-G-C. GRCh37 (hg19) VCF-style: chr7-2613042-G-C.
Other names: c.200-10G>C (NM_001287501.2, NM_001287502.2); c.395-10G>C (NM_001287499.2, NM_152558.4); c.347-10G>C (NM_001287500.2).
Identifiers: ClinVar variation 1300116 (VCV001300116.4), dbSNP rs2304540, ClinGen allele CA4128593.

ClinVar aggregate classification (germline): Benign. Review status: criteria provided, single submitter (1 of 4 stars). 2 submissions from 2 submitters: Benign (1). 1 of the submissions does not count toward it. Last evaluated 2021-08-19.

Conditions:
Polydactyly, postaxial, type a7. Identifiers: MedGen C4539976, MONDO:0060550, OMIM 617642.
IQCE-related disorder. Also called: IQCE-related condition.

Allele frequency attached by ClinVar (database versions not stated): 1000 Genomes Project 0.69329; 1000 Genomes Project 30x 0.69613; gnomAD exomes 0.73222 and 0.73333; ExAC 0.73789; TOPMed 0.74020; gnomAD 0.74895 and 0.75416; ESP Exome Variant Server 0.76101.
gnomAD v4.1: 969,891 of 1,321,936 alleles (73%); highest among the groups gnomAD compares: African/African-American, 76%; 358,586 homozygotes.

Submissions (2):

Genome-Nilou Lab
Classification: Benign for Polydactyly, postaxial, type a7. Last evaluated: 2021-08-19. Review status: criteria provided, single submitter. Criteria: ACMG Guidelines, 2015. Collection method: clinical testing. Allele origin: germline. Affected: no.

PreventionGenetics, part of Exact Sciences
Classification: Benign for IQCE-related condition. Last evaluated: 2023-02-01. Review status: no assertion criteria provided. Collection method: clinical testing. Allele origin: germline. Not counted in ClinVar's aggregate classification.
Comment: This variant is classified as benign based on ACMG/AMP sequence variant interpretation guidelines (Richards et al. 2015 PMID: 25741868, with internal and published modifications).